The following is an entry in ClinVar:

NM_002691.4(POLD1):c.3059G>C (p.Ser1020Thr)

Gene: POLD1 (DNA polymerase delta 1, catalytic subunit; plus strand). Cytogenetic location: 19q13.33.
Variant type: single nucleotide variant.
Coding change: c.3059G>C on transcript NM_002691.4 (MANE Select); coding-DNA position 3059, G replaced by C.
Protein change: p.Ser1020Thr; replaces serine 1020 with threonine.
Molecular consequence: missense variant. On other transcripts: non-coding transcript variant (1).
Genome position (GRCh38, 1-based): chr19:50,416,715, G>C. VCF-style: chr19-50416715-G-C. GRCh37 (hg19) VCF-style: chr19-50919972-G-C.
Other names: c.3137G>C, p.Ser1046Thr (NM_001308632.1); c.2987G>C, p.Ser996Thr (NM_001438211.1, NM_001438210.1); c.3059G>C, p.Ser1020Thr (NM_001438212.1, NM_001438213.1, NM_001256849.1); short protein forms S996T, S1020T, S1046T.
Identifiers: ClinVar variation 4669095 (VCV004669095.1).

ClinVar aggregate classification (germline): Uncertain significance (1 of 4 stars; one submission).

Conditions:
Hereditary cancer-predisposing syndrome. Also called: Neoplastic Syndromes, Hereditary; Tumor predisposition; Hereditary Cancer Syndrome; Hereditary neoplastic syndrome. Identifiers: Orphanet 140162, MedGen C0027672, MeSH D009386, MONDO:0015356.

Submission:

Ambry Genetics
Classification: Uncertain significance for Hereditary cancer-predisposing syndrome. Last evaluated: 2025-10-09. Review status: criteria provided, single submitter. Criteria: Ambry Variant Classification Scheme 2023. Collection method: clinical testing. Allele origin: germline.
Comment: The p.S1020T variant (also known as c.3059G>C), located in coding exon 23 of the POLD1 gene, results from a G to C substitution at nucleotide position 3059. The serine at codon 1020 is replaced by threonine, an amino acid with similar properties. This amino acid position is conserved. In addition, this alteration is predicted to be tolerated by in silico analysis. Based on the available evidence, the clinical significance of this variant remains unclear.